The following is an entry in ClinVar:

ClinVar aggregate classification (germline): Uncertain significance (1 of 4 stars; one submission).

Allele frequency attached by ClinVar (database versions not stated): gnomAD exomes below 0.00001.
gnomAD v4.1: 2 of 1,614,144 alleles (0.00012%); highest among the groups gnomAD compares: Non-Finnish European, 0.00017%; no homozygotes.

Submission:

Labcorp Genetics (formerly Invitae), Labcorp
Classification: Uncertain significance. Last evaluated: 2023-07-07. Review status: criteria provided, single submitter. Criteria: Invitae Variant Classification Sherloc (09022015). Collection method: clinical testing. Allele origin: germline.
Comment: This variant is not present in population databases (gnomAD no frequency). This sequence change creates a premature translational stop signal (p.Arg489*) in the PRPF6 gene. It is expected to result in an absent or disrupted protein product. However, the current clinical and genetic evidence is not sufficient to establish whether loss-of-function variants in PRPF6 cause disease. This variant has not been reported in the literature in individuals affected with PRPF6-related conditions. In summary, the available evidence is currently insufficient to determine the role of this variant in disease. Therefore, it has been classified as a Variant of Uncertain Significance. ClinVar contains an entry for this variant (Variation ID: 1485290).

NM_012469.4(PRPF6):c.1465C>T (p.Arg489Ter)

Genes: PRPF6 (pre-mRNA processing factor 6; plus strand), LOC126863089 (BRD4-independent group 4 enhancer GRCh37_chr20:62642795-62643994; plus strand). Cytogenetic location: 20q13.33.
Variant type: single nucleotide variant.
Coding change: c.1465C>T on transcript NM_012469.4 (MANE Select); coding-DNA position 1465, C replaced by T.
Protein change: p.Arg489Ter; replaces arginine 489 with a stop codon.
Molecular consequence: nonsense.
Genome position (GRCh38, 1-based): chr20:64,011,444, C>T. VCF-style: chr20-64011444-C-T. GRCh37 (hg19) VCF-style: chr20-62642797-C-T.
Other names: short protein forms R489*.
Identifiers: ClinVar variation 1485290 (VCV001485290.6), dbSNP rs1244176735, ClinGen allele CA409727479.
Genomic context (GRCh38, chr20:64,011,444, plus strand): 5'-ACGGCTGCTAAGCTGGAGGAAGCCAATGGGAACACGCAGATGGTGGAGAAGATCATCGAC[C>T]GAGCCATCACCTCGCTGCGGGCCAACGGTGTGGAGATCAACCGTGAGCAGTGGATCCAGG-3'